The following is an entry in ClinVar:

ClinVar aggregate classification (germline): Uncertain significance. Review status: criteria provided, multiple submitters, no conflicts (2 of 4 stars). 2 submissions from 2 submitters: Uncertain significance (2). Last evaluated 2025-01-06.

Conditions:
Primary immunodeficiency with natural-killer cell deficiency and adrenal insufficiency (IMD54). Also called: Natural killer cell and glucocorticoid deficiency with DNA repair defect; IMMUNODEFICIENCY 54. Identifiers: Orphanet 75391, MedGen C1864947, MONDO:0012383, OMIM 609981.

Allele frequency attached by ClinVar (database versions not stated): gnomAD 0.00021 and 0.00022; gnomAD exomes 0.00028; TOPMed 0.00028; ExAC 0.00029; ESP Exome Variant Server 0.00031; 1000 Genomes Project 0.00040; 1000 Genomes Project 30x 0.00047.
gnomAD v4.1: 434 of 1,614,218 alleles (0.027%); highest among the groups gnomAD compares: Middle Eastern, 0.049%; 2 homozygotes.

Submissions (2):

Labcorp Genetics (formerly Invitae), Labcorp
Classification: Uncertain significance. Last evaluated: 2025-01-06. Review status: criteria provided, single submitter. Criteria: Invitae Variant Classification Sherloc (09022015). Collection method: clinical testing. Allele origin: germline.
Comment: This sequence change replaces valine, which is neutral and non-polar, with leucine, which is neutral and non-polar, at codon 753 of the MCM4 protein (p.Val753Leu). This variant is present in population databases (rs150870761, gnomAD 0.05%), including at least one homozygous and/or hemizygous individual. This variant has not been reported in the literature in individuals affected with MCM4-related conditions. ClinVar contains an entry for this variant (Variation ID: 911991). Invitae Evidence Modeling of protein sequence and biophysical properties (such as structural, functional, and spatial information, amino acid conservation, physicochemical variation, residue mobility, and thermodynamic stability) indicates that this missense variant is expected to disrupt MCM4 protein function with a positive predictive value of 80%. In summary, the available evidence is currently insufficient to determine the role of this variant in disease. Therefore, it has been classified as a Variant of Uncertain Significance.

Illumina Laboratory Services, Illumina
Classification: Uncertain significance for Primary immunodeficiency with natural-killer cell deficiency and adrenal insufficiency. Last evaluated: 2018-01-12. Review status: criteria provided, single submitter. Criteria: ICSL Variant Classification Criteria 13 December 2019. Collection method: clinical testing. Allele origin: germline.

NM_182746.3(MCM4):c.2257G>C (p.Val753Leu)

Gene: MCM4 (minichromosome maintenance complex component 4; plus strand). Cytogenetic location: 8q11.21.
Variant type: single nucleotide variant.
Coding change: c.2257G>C on transcript NM_182746.3 (MANE Select); coding-DNA position 2257, G replaced by C.
Protein change: p.Val753Leu; replaces valine 753 with leucine.
Molecular consequence: missense variant.
Genome position (GRCh38, 1-based): chr8:47,974,854, G>C. VCF-style: chr8-47974854-G-C. GRCh37 (hg19) VCF-style: chr8-48887414-G-C.
Other names: c.2257G>C, p.Val753Leu (NM_005914.4); short protein forms V753L.
Identifiers: ClinVar variation 911991 (VCV000911991.9), dbSNP rs150870761, ClinGen allele CA4742864.